The following is an entry in ClinVar:

ClinVar aggregate classification (germline): Conflicting classifications of pathogenicity. Review status: criteria provided, conflicting classifications (1 of 4 stars). 21 submissions from 17 submitters: Uncertain significance (9); Benign (2); Likely benign (7). 3 of the submissions do not count toward it. Last evaluated 2026-09-01.

Conditions:
TTN-related disorder. Also called: TTN-related disorders; TTN-related condition; TTN-related disease.
Cardiovascular phenotype. Identifiers: MedGen CN230736.
Autosomal recessive limb-girdle muscular dystrophy type 2J (LGMDR10). Also called: MUSCULAR DYSTROPHY, LIMB-GIRDLE, AUTOSOMAL RECESSIVE 10; Limb-girdle muscular dystrophy, type 2J. Identifiers: Orphanet 140922, MedGen C1837342, MONDO:0012127, OMIM 608807.
Dilated cardiomyopathy 1G (CMD1G). Identifiers: Orphanet 154, MedGen C1858763, MONDO:0011400, OMIM 604145.
Cardiomyopathy (CMYO). Also called: Cardiomyopathies. Identifiers: Orphanet 167848, MedGen C0878544, MONDO:0004994, HP:0001638. Inheritance: Various modes of inheritance.
Early-onset myopathy with fatal cardiomyopathy (CMYO5). Also called: CONGENITAL MYOPATHY 5 WITH CARDIOMYOPATHY; Salih Myopathy. Identifiers: Orphanet 289377, MedGen C2673677, MONDO:0012714, OMIM 611705. Disease mechanism: loss of function.
Myopathy, myofibrillar, 9, with early respiratory failure (MFM9). Also called: Myopathy, distal, with early respiratory failure, autosomal dominant; Hereditary myopathy with early respiratory failure; EDSTROM MYOPATHY; MYOPATHY, PROXIMAL, WITH EARLY RESPIRATORY MUSCLE INVOLVEMENT. Identifiers: Orphanet 178464, Orphanet 34521, MedGen C1863599, MONDO:0011362, OMIM 603689.
Tibial muscular dystrophy (TMD). Also called: Tibial muscular dystrophy, tardive; Udd Distal Myopathy – Tibial Muscular Dystrophy; UDD MYOPATHY. Identifiers: Orphanet 609, MedGen C1838244, MONDO:0010870, OMIM 600334.

Allele frequency attached by ClinVar (database versions not stated): ESP Exome Variant Server 0.00017; 1000 Genomes Project 30x 0.00016; 1000 Genomes Project 0.00020; TOPMed 0.00024; gnomAD 0.00013 and 0.00014.
gnomAD v4.1: 323 of 1,613,650 alleles (0.02%); highest among the groups gnomAD compares: Admixed American, 0.07%; no homozygotes.

Submissions (21):

CeGaT Center for Human Genetics Tuebingen
Classification: Likely benign. Last evaluated: 2026-09-01. Review status: criteria provided, single submitter. Criteria: CeGaT Center For Human Genetics Tuebingen Variant Classification Criteria Version 2. Collection method: clinical testing. Allele origin: germline. Affected: yes. Observed: 2 variant alleles.
Comment: TTN: BP4

PreventionGenetics, part of Exact Sciences
Classification: Likely benign for TTN-related condition. Last evaluated: 2025-07-21. Review status: criteria provided, single submitter. Criteria: ACMG Guidelines, 2015. Collection method: clinical testing. Allele origin: germline.
Comment: This variant is classified as likely benign based on ACMG/AMP sequence variant interpretation guidelines (Richards et al. 2015 PMID: 25741868, with internal and published modifications).

Women's Health and Genetics/Laboratory Corporation of America, LabCorp
Classification: Likely benign. Last evaluated: 2025-04-29. Review status: criteria provided, single submitter. Criteria: LabCorp Variant Classification Summary - May 2015. Collection method: clinical testing. Allele origin: germline.
Comment: Variant summary: TTN c.77273G>A (p.Arg25758Gln) results in a conservative amino acid change in the encoded protein sequence. Two of four in-silico tools predict a benign effect of the variant on protein function. The variant allele was found at a frequency of 0.00027 in 248284 control chromosomes, predominantly at a frequency of 0.00075 within the Latino subpopulation in the gnomAD database. The observed variant frequency within Latino control individuals in the gnomAD database is approximately 2 fold of the estimated maximal expected allele frequency for a pathogenic variant in TTN causing Dilated Cardiomyopathy phenotype (0.00039). To our knowledge, no experimental evidence demonstrating its impact on protein function has been reported. ClinVar contains an entry for this variant (Variation ID: 47442). Based on the evidence outlined above, the variant was classified as likely benign.

Molecular Diagnostic Laboratory for Inherited Cardiovascular Disease, Montreal Heart Institute
Classification: Likely benign. Last evaluated: 2025-04-09. Review status: criteria provided, single submitter. Criteria: ACMG Guidelines, 2015. Collection method: clinical testing. Allele origin: germline. Affected: no.

Revvity Omics, Revvity
Classification: Uncertain significance. Last evaluated: 2025-01-19. Review status: criteria provided, single submitter. Criteria: ACMG Guidelines, 2015. Collection method: clinical testing. Allele origin: germline.

Blueprint Genetics
Classification: Likely benign. Last evaluated: 2024-09-13. Review status: criteria provided, single submitter. Criteria: ACMG Guidelines, 2015. Collection method: clinical testing. Allele origin: germline.

CHEO Genetics Diagnostic Laboratory, Children's Hospital of Eastern Ontario
Classification: Likely benign for Cardiomyopathy. Last evaluated: 2020-03-03. Review status: criteria provided, single submitter. Criteria: ACMG Guidelines, 2015. Collection method: clinical testing. Allele origin: germline.

GeneDx
Classification: Likely benign. Last evaluated: 2019-07-25. Review status: criteria provided, single submitter. Criteria: GeneDx Variant Classification Process June 2021. Collection method: clinical testing. Allele origin: germline. Affected: yes.
Comment: This variant is associated with the following publications: (PMID: 25163546)

Illumina Laboratory Services, Illumina
Classification: Uncertain significance for Dilated cardiomyopathy 1G. Last evaluated: 2018-01-12. Review status: criteria provided, single submitter. Criteria: ICSL Variant Classification Criteria 13 December 2019. Collection method: clinical testing. Allele origin: germline.

Illumina Laboratory Services, Illumina
Classification: Uncertain significance for Autosomal recessive limb-girdle muscular dystrophy type 2J. Last evaluated: 2018-01-12. Review status: criteria provided, single submitter. Criteria: ICSL Variant Classification Criteria 13 December 2019. Collection method: clinical testing. Allele origin: germline.

Illumina Laboratory Services, Illumina
Classification: Benign for Tibial muscular dystrophy. Last evaluated: 2018-01-12. Review status: criteria provided, single submitter. Criteria: ICSL Variant Classification Criteria 13 December 2019. Collection method: clinical testing. Allele origin: germline.
Comment: This variant was observed in the ICSL laboratory as part of a predisposition screen in an ostensibly healthy population. It had not been previously curated by ICSL or reported in the Human Gene Mutation Database (HGMD: prior to June 1st, 2018), and was therefore a candidate for classification through an automated scoring system. Utilizing variant allele frequency, disease prevalence and penetrance estimates, and inheritance mode, an automated score was calculated to assess if this variant is too frequent to cause the disease. Based on the score and internal cut-off values, a variant classified as benign is not then subjected to further curation. The score for this variant resulted in a classification of benign for this disease.

Illumina Laboratory Services, Illumina
Classification: Uncertain significance for Early-onset myopathy with fatal cardiomyopathy. Last evaluated: 2018-01-12. Review status: criteria provided, single submitter. Criteria: ICSL Variant Classification Criteria 13 December 2019. Collection method: clinical testing. Allele origin: germline.

Illumina Laboratory Services, Illumina
Classification: Benign for Myopathy, myofibrillar, 9, with early respiratory failure. Last evaluated: 2018-01-12. Review status: criteria provided, single submitter. Criteria: ICSL Variant Classification Criteria 13 December 2019. Collection method: clinical testing. Allele origin: germline.
Comment: the same text as in the submission from Illumina Laboratory Services, Illumina above.

Genetic Services Laboratory, University of Chicago
Classification: Uncertain significance. Last evaluated: 2017-09-25. Review status: criteria provided, single submitter. Criteria: ACMG Guidelines, 2015. Collection method: clinical testing. Allele origin: germline. Affected: no.

Labcorp Genetics (formerly Invitae), Labcorp
Classification: Uncertain significance for Dilated cardiomyopathy 1G; Autosomal recessive limb-girdle muscular dystrophy type 2J. Last evaluated: 2017-04-05. Review status: criteria provided, single submitter. Criteria: Invitae Variant Classification Sherloc (09022015). Collection method: clinical testing. Allele origin: germline.

Eurofins Ntd Llc (ga)
Classification: Uncertain significance. Last evaluated: 2017-03-09. Review status: criteria provided, single submitter. Criteria: EGL Classification Definitions 2015. Collection method: clinical testing. Allele origin: germline. Observed: 4 variant alleles, 4 heterozygotes.

Ambry Genetics
Classification: Uncertain significance for Cardiovascular phenotype. Last evaluated: 2013-07-31. Review status: criteria provided, single submitter. Criteria: Ambry Autosomal Dominant and X-Linked criteria (10/2015). Collection method: clinical testing. Allele origin: germline. Observed: 1 variant allele.
Comment: The p.R25758Q variant (also known as c.77273G>A) is located in coding exon 274 of the TTN gene. This alteration results from a G to A substitution at nucleotide position 77273. The arginine at codon 25758 is replaced by glutamine, an amino acid with highly similar properties.Ã¢â‚¬â€¹Ã¢â‚¬â€¹ This variant was previously reported in dbSNP asrs200843338. Based on data from the NHLBI Exome Sequencing Project (ESP), the A-allele has an overall frequency of approximately0.02% (2/12018), having been observed in 0.02% (2/8220) of European American alleles, and not observed in 3798 African American alleles studied. This variant was not reported in the 1000 Genomes Project. Based on protein sequence alignment, this amino acid position isis conserved through mammals, but is not conserved through all available vertebrate species. In addition, this alteration is predicted to be possibly damaging by PolyPhen analysis.Since supporting evidence is limited at this time, the clinical significance of this variant remains unclear.

Laboratory for Molecular Medicine, Mass General Brigham Personalized Medicine
Classification: Uncertain significance. Last evaluated: 2012-03-16. Review status: criteria provided, single submitter. Criteria: LMM Criteria. Collection method: clinical testing. Allele origin: germline. Observed: 1 variant allele.
Comment: The Arg25758Gln variant (TTN) has been seen in 1/6622 European American chromoso mes from a broad population by the NHLBI Exome Sequencing Project (.). The TTN gene is strongly associated with DCM based on the high prevalence of loss-of-function variants but the role of missense variants i s unclear. Arginine (Arg) at position 25758 is conserved in evolution, suggestin g that the change would impact the protein. Other computational analyses (bioche mical amino acid properties, AlignGVGD, PolyPhen2, and SIFT) do not provide stro ng support for or against an impact to the protein. Additional information is ne eded to fully assess the clinical significance of this variant.

Clinical Genetics DNA and cytogenetics Diagnostics Lab, Erasmus MC, Erasmus Medical Center
Classification: Uncertain significance. Review status: no assertion criteria provided. Collection method: clinical testing. Allele origin: germline. Affected: yes. Study: VKGL Data-share Consensus. Not counted in ClinVar's aggregate classification.

Clinical Genetics, Academic Medical Center
Classification: Uncertain significance. Review status: no assertion criteria provided. Collection method: clinical testing. Allele origin: germline. Affected: yes. Study: VKGL Data-share Consensus. Not counted in ClinVar's aggregate classification.

Diagnostic Laboratory, Department of Genetics, University Medical Center Groningen
Classification: Uncertain significance. Review status: no assertion criteria provided. Collection method: clinical testing. Allele origin: germline. Affected: yes. Study: VKGL Data-share Consensus. Not counted in ClinVar's aggregate classification.

NM_001267550.2(TTN):c.84977G>A (p.Arg28326Gln)

Genes: TTN-AS1 (TTN antisense RNA 1; plus strand), TTN (titin; minus strand). Cytogenetic location: 2q31.2.
Variant type: single nucleotide variant.
Coding change: c.84977G>A on transcript NM_001267550.2 (MANE Select); coding-DNA position 84977, G replaced by A.
Protein change: p.Arg28326Gln; replaces arginine 28326 with glutamine.
Molecular consequence: missense variant.
Genome position (GRCh38, 1-based): chr2:178,561,155, C>T on the plus strand (G>A on the coding strand, the complement: TTN is on the minus strand). VCF-style: chr2-178561155-C-T. GRCh37 (hg19) VCF-style: chr2-179425882-C-T.
Other names: c.80054G>A, p.Arg26685Gln (NM_001256850.1); c.77273G>A, p.Arg25758Gln (NM_133378.4); c.57782G>A, p.Arg19261Gln (NM_003319.4); c.58157G>A, p.Arg19386Gln (NM_133432.3); c.58358G>A, p.Arg19453Gln (NM_133437.4); short protein forms R28326Q, R25758Q, R26685Q, R19386Q, R19453Q, R19261Q.
Identifiers: ClinVar variation 47442 (VCV000047442.42), dbSNP rs200843338, ClinGen allele CA141014.